The following is an entry in ClinVar:

NM_007294.4(BRCA1):c.4712_4716del (p.Leu1570_Phe1571insTer)

Gene: BRCA1 (BRCA1 DNA repair associated; minus strand). Cytogenetic location: 17q21.31.
Variant type: Deletion.
Coding change: c.4712_4716del on transcript NM_007294.4 (MANE Select); coding-DNA positions 4712 to 4716, 5 bases deleted (TCTCT; older notation c.4712_4716delTCTCT).
Protein change: p.Leu1570_Phe1571insTer.
Molecular consequence: nonsense. On other transcripts: frameshift variant (365), non-coding transcript variant (1).
Genome position (GRCh38, 1-based): chr17:43,071,198-43,071,202, AGAGA deleted on the plus strand (TCTCT on the coding strand, the reverse complement: BRCA1 is on the minus strand); deleting any 5 consecutive bases within chr17:43,071,198-43,071,206 gives the same sequence; the c. name uses the placement nearest the transcript's 3' end. VCF-style (leftmost placement, unchanged base first): chr17-43071197-CAGAGA-C. GRCh37 (hg19) VCF-style: chr17-41223214-CAGAGA-C.
Other names: 4831del5; c.4712_4716delTCTCT (NM_007294.3); c.4561_4565delCTCTT, p.Phe1522Terfs (NM_001407845.1, NM_001407846.1, NM_001407847.1 and 12 more transcripts); c.4708_4712delCTCTT, p.Phe1571Terfs (NM_001407854.1, NM_001407593.1, NM_001407594.1 and 8 more transcripts); c.4705_4709delCTCTT, p.Phe1570Terfs (NM_001407858.1, NM_001407859.1, NM_001407860.1 and 17 more transcripts); c.4702_4706delCTCTT, p.Phe1569Terfs (NM_001407861.1, NM_001407627.1, NM_001407628.1 and 14 more transcripts); c.4507_4511delCTCTT, p.Phe1504Terfs (NM_001407862.1); c.4582_4586delCTCTT, p.Phe1529Terfs (NM_001407863.1, NM_001407939.1, NM_001407940.1 and 11 more transcripts); and 75 more.
Identifiers: ClinVar variation 55269 (VCV000055269.27), dbSNP rs80357718, ClinGen allele CA002990.

ClinVar aggregate classification (germline): Pathogenic. Review status: reviewed by expert panel (3 of 4 stars). 13 submissions from 13 submitters: Pathogenic (1). 12 of the submissions do not count toward it. Last evaluated 2016-09-08.

Conditions:
Breast neoplasm. Also called: Neoplasm of the breast; Neoplasm of breast; Breast tumor; Breast Neoplasms. Identifiers: MedGen C1458155, MeSH D001943, MONDO:0021100, HP:0100013. Disease mechanism: gain of function.
Breast-ovarian cancer, familial, susceptibility to, 1 (BROVCA1). Also called: BRCA1 Hereditary Breast and Ovarian Cancer; OVARIAN CANCER, SUSCEPTIBILITY TO. Identifiers: Orphanet 145, MedGen C2676676, MONDO:0011450, OMIM 604370. Disease mechanism: loss of function.
Hereditary cancer-predisposing syndrome. Also called: Hereditary Cancer Syndrome; Hereditary neoplastic syndrome; Neoplastic Syndromes, Hereditary; Tumor predisposition. Identifiers: Orphanet 140162, MedGen C0027672, MeSH D009386, MONDO:0015356.
Hereditary breast ovarian cancer syndrome. Also called: BRCA1- and BRCA2-Associated Hereditary Breast and Ovarian Cancer; Hereditary breast and ovarian cancer syndrome; Hereditary breast and ovarian cancer syndrome (HBOC); Breast and ovarian cancer; Hereditary breast and/or ovarian cancer syndrome; Hereditary breast and ovarian cancer. Identifiers: Orphanet 145, MedGen C0677776, MeSH D061325, MONDO:0003582. Disease mechanism: loss of function.

Submissions (13):

Evidence-based Network for the Interpretation of Germline Mutant Alleles (ENIGMA)
Classification: Pathogenic for Breast-ovarian cancer, familial, susceptibility to, 1. Last evaluated: 2016-09-08. Review status: reviewed by expert panel. Criteria: ENIGMA BRCA1/2 Classification Criteria (2015). Collection method: curation. Allele origin: germline.
Comment: Variant allele predicted to encode a truncated non-functional protein.

Dasa
Classification: Pathogenic for Breast-ovarian cancer, familial, susceptibility to, 1. Last evaluated: 2025-11-11. Review status: criteria provided, single submitter. Criteria: DASA Assertion Criteria. Collection method: clinical testing. Allele origin: germline. Not counted in ClinVar's aggregate classification.
Comment: NM_007294.4(BRCA1):c.4712_4716del (p.Phe1571*) is a nonsense variant in BRCA1 predicted to introduce a premature termination codon and is predicted to result in an absent or altered protein product. Loss of function is an established disease mechanism for BRCA1 (PMID: 32375709; PMID: 21989022; PMID: 11802209). The affected residue or protein region has prior evidence supporting clinical relevance. Also, this variant is absent from population databases. Based on the currently available evidence, this variant is classified as pathogenic.

Ambry Genetics
Classification: Pathogenic for Hereditary cancer-predisposing syndrome. Last evaluated: 2024-09-19. Review status: criteria provided, single submitter. Criteria: Ambry Variant Classification Scheme 2023. Collection method: clinical testing. Allele origin: germline. Not counted in ClinVar's aggregate classification.
Comment: The c.4712_4716delTCTCT (also known as p.F1571*) pathogenic mutation, located in coding exon 14 of the BRCA1 gene, results from a deletion of 5 nucleotides between nucleotide positions 4712 and 4716, causing a translational frameshift with a predicted alternate stop codon. This variant is considered to be rare based on population cohorts in the Genome Aggregation Database (gnomAD). In addition to the clinical data presented in the literature, this alteration is expected to result in loss of function by premature protein truncation or nonsense-mediated mRNA decay. As such, this alteration is interpreted as a disease-causing mutation.

Women's Health and Genetics/Laboratory Corporation of America, LabCorp
Classification: Pathogenic for Hereditary breast ovarian cancer syndrome. Last evaluated: 2024-01-17. Review status: criteria provided, single submitter. Criteria: LabCorp Variant Classification Summary - May 2015. Collection method: clinical testing. Allele origin: germline. Not counted in ClinVar's aggregate classification.
Comment: Variant summary: BRCA1 c.4712_4716delTCTCT (p.Phe1571X) results in a premature termination codon, predicted to cause a truncation of the encoded protein or absence of the protein due to nonsense mediated decay, which are commonly known mechanisms for disease. The variant was absent in 251228 control chromosomes. c.4712_4716delTCTCT has been reported in the literature in individuals affected with at least ovarian cancer (e.g. Wen_2023). These data indicate that the variant may be associated with disease. To our knowledge, no experimental evidence demonstrating an impact on protein function has been reported. The following publication has been ascertained in the context of this evaluation (PMID: 37523182). ClinVar contains an entry for this variant (Variation ID: 55269). Based on the evidence outlined above, the variant was classified as pathogenic.

Revvity Omics, Revvity
Classification: Pathogenic. Last evaluated: 2023-05-24. Review status: criteria provided, single submitter. Criteria: ACMG Guidelines, 2015. Collection method: clinical testing. Allele origin: germline. Not counted in ClinVar's aggregate classification.

Labcorp Genetics (formerly Invitae), Labcorp
Classification: Pathogenic for Hereditary breast ovarian cancer syndrome. Last evaluated: 2022-10-05. Review status: criteria provided, single submitter. Criteria: Invitae Variant Classification Sherloc (09022015). Collection method: clinical testing. Allele origin: germline. Not counted in ClinVar's aggregate classification.
Comment: This sequence change creates a premature translational stop signal (p.Phe1571*) in the BRCA1 gene. It is expected to result in an absent or disrupted protein product. Loss-of-function variants in BRCA1 are known to be pathogenic (PMID: 20104584). This variant is not present in population databases (gnomAD no frequency). This premature translational stop signal has been observed in individual(s) with breast and/or ovarian cancer (PMID: 24884479, 25007954, 28176296). This variant is also known as c.4831del5. ClinVar contains an entry for this variant (Variation ID: 55269). For these reasons, this variant has been classified as Pathogenic.

Color Diagnostics, LLC DBA Color Health
Classification: Pathogenic for Hereditary cancer-predisposing syndrome. Last evaluated: 2020-01-07. Review status: criteria provided, single submitter. Criteria: ACMG Guidelines, 2015. Collection method: clinical testing. Allele origin: germline. Not counted in ClinVar's aggregate classification.
Comment: This variant deletes 5 nucleotides in exon 15 of the BRCA1 gene, creating a frameshift and premature translation stop signal. This variant is expected to result in an absent or non-functional protein product. Splice site prediction tools suggest that this variant may not impact RNA splicing. To our knowledge, functional studies have not been performed for this variant. This variant has been reported in individuals affected with breast cancer in the literature (PMID 24884479). This variant has not been identified in the general population by the Genome Aggregation Database (gnomAD). Loss of BRCA1 function is a known mechanism of disease. Based on the available evidence, this variant is classified as Pathogenic.

ARUP Laboratories, Molecular Genetics and Genomics, ARUP Laboratories
Classification: Pathogenic. Last evaluated: 2018-02-22. Review status: criteria provided, single submitter. Criteria: ARUP Molecular Germline Variant Investigation Process. Collection method: clinical testing. Allele origin: germline. Not counted in ClinVar's aggregate classification.
Comment: The BRCA1 c.4712_4716delTCTCT; p.Phe1571Ter variant (rs80357718), also known as c.4831del5, is published in the medical literature in one individual with hereditary breast and ovarian cancer (Silva 2014). This variant is described in the ClinVar database (Variation ID: 55269). This deletion removes 5 nucleotides and results in an immediate stop codon. The variant is predicted to result in a truncated protein or mRNA subject to nonsense-mediated decay. Considering available information, the variant is classified as pathogenic. References: Silva FC et al. Hereditary breast and ovarian cancer: assessment of point mutations and copy number variations in Brazilian patients. BMC Med Genet. 2014 May 15;15:55.

Consortium of Investigators of Modifiers of BRCA1/2 (CIMBA), c/o University of Cambridge
Classification: Pathogenic for Breast-ovarian cancer, familial, susceptibility to, 1. Last evaluated: 2015-10-02. Review status: criteria provided, single submitter. Criteria: CIMBA Mutation Classification guidelines May 2016. Collection method: clinical testing. Allele origin: germline. Not counted in ClinVar's aggregate classification.

Clinical and Functional Genomics Group, A.C.Camargo Cancer Center
Classification: Pathogenic for Breast Cancer. Review status: criteria provided, single submitter. Criteria: Silva et al. (BMC Med Genet. 2014). Collection method: research. Allele origin: germline. Affected: yes. Not counted in ClinVar's aggregate classification.

Research Molecular Genetics Laboratory, Women's College Hospital, University of Toronto
Classification: Pathogenic for Hereditary breast ovarian cancer syndrome. Last evaluated: 2014-01-31. Review status: no assertion criteria provided. Collection method: research. Allele origin: germline. Affected: yes. Study: The Canadian Open Genetics Repository (COGR). Not counted in ClinVar's aggregate classification.

Sharing Clinical Reports Project (SCRP)
Classification: Pathogenic for Breast-ovarian cancer, familial 1. Last evaluated: 2012-12-21. Review status: no assertion criteria provided. Collection method: clinical testing. Allele origin: germline. Not counted in ClinVar's aggregate classification.

Breast Cancer Information Core (BIC) (BRCA1)
Classification: Pathogenic for Breast-ovarian cancer, familial 1. Last evaluated: 2004-11-25. Review status: no assertion criteria provided. Collection method: clinical testing. Allele origin: germline. Affected: yes. Observed: 1 variant allele. Not counted in ClinVar's aggregate classification.

Literature cited by the submitters: PubMed 32375709 (cited by Dasa); PubMed 21989022 (cited by Dasa); PubMed 11802209 (cited by Dasa); PubMed 24884479 (cited by Ambry Genetics and Labcorp Genetics (formerly Invitae), Labcorp); PubMed 37523182 (cited by Women's Health and Genetics/Laboratory Corporation of America, LabCorp); PubMed 20104584 (cited by Labcorp Genetics (formerly Invitae), Labcorp); PubMed 25007954 (cited by Labcorp Genetics (formerly Invitae), Labcorp); PubMed 28176296 (cited by Labcorp Genetics (formerly Invitae), Labcorp); PubMed 23469205 (cited by Clinical and Functional Genomics Group, A.C.Camargo Cancer Center).